The following is an entry in ClinVar:

ClinVar aggregate classification (germline): Conflicting classifications of pathogenicity. Review status: criteria provided, conflicting classifications (1 of 4 stars). 9 submissions from 9 submitters: Uncertain significance (1); Likely benign (5). 3 of the submissions do not count toward it. Last evaluated 2025-10-07.

Conditions:
TTN-related disorder. Also called: TTN-related condition; TTN-related disease; TTN-related disorders.
Autosomal recessive limb-girdle muscular dystrophy type 2J (LGMDR10). Also called: Limb-girdle muscular dystrophy, type 2J; MUSCULAR DYSTROPHY, LIMB-GIRDLE, AUTOSOMAL RECESSIVE 10. Identifiers: Orphanet 140922, MedGen C1837342, MONDO:0012127, OMIM 608807.
Dilated cardiomyopathy 1G (CMD1G). Identifiers: Orphanet 154, MedGen C1858763, MONDO:0011400, OMIM 604145.
Cardiomyopathy (CMYO). Also called: Cardiomyopathies. Identifiers: Orphanet 167848, MedGen C0878544, MONDO:0004994, HP:0001638. Inheritance: Various modes of inheritance.

Allele frequency attached by ClinVar (database versions not stated): gnomAD exomes below 0.00001 and 0.00002; ExAC 0.00001; gnomAD 0.00004 and 0.00006; TOPMed 0.00005; ESP Exome Variant Server 0.00008.
gnomAD v4.1: 39 of 1,613,694 alleles (0.0024%); highest among the groups gnomAD compares: Middle Eastern, 0.26%; 1 homozygote.

Submissions (9):

Labcorp Genetics (formerly Invitae), Labcorp
Classification: Likely benign for Dilated cardiomyopathy 1G; Autosomal recessive limb-girdle muscular dystrophy type 2J. Last evaluated: 2025-10-07. Review status: criteria provided, single submitter. Criteria: Invitae Variant Classification Sherloc (09022015). Collection method: clinical testing. Allele origin: germline.

Blueprint Genetics
Classification: Likely benign. Last evaluated: 2024-11-12. Review status: criteria provided, single submitter. Criteria: ACMG Guidelines, 2015. Collection method: clinical testing. Allele origin: germline.

CeGaT Center for Human Genetics Tuebingen
Classification: Likely benign. Last evaluated: 2023-01-01. Review status: criteria provided, single submitter. Criteria: CeGaT Center For Human Genetics Tuebingen Variant Classification Criteria Version 2. Collection method: clinical testing. Allele origin: germline. Affected: yes. Observed: 1 variant allele.
Comment: TTN: BP4, BP7

CHEO Genetics Diagnostic Laboratory, Children's Hospital of Eastern Ontario
Classification: Likely benign for Cardiomyopathy. Last evaluated: 2016-08-02. Review status: criteria provided, single submitter. Criteria: ACMG Guidelines, 2015. Collection method: clinical testing. Allele origin: germline. Study: Canadian Open Genetics Repository.

Eurofins Ntd Llc (ga)
Classification: Uncertain significance. Last evaluated: 2016-06-23. Review status: criteria provided, single submitter. Criteria: EGL Classification Definitions 2015. Collection method: clinical testing. Allele origin: germline. Observed: 2 variant alleles, 2 heterozygotes.

Laboratory for Molecular Medicine, Mass General Brigham Personalized Medicine
Classification: Likely benign. Last evaluated: 2015-08-13. Review status: criteria provided, single submitter. Criteria: LMM Criteria. Collection method: clinical testing. Allele origin: germline. Observed: 1 variant allele.
Comment: p.Ala4943Ala in Exon 60 of TTN: This variant is not expected to have clinical si gnificance because it does not alter an amino acid residue, is not located withi n the splice consensus sequence. It has been identified in 1/ 66688 European chr omosomes by the Exome Aggregation Consortium (ExAC, rg; rs377556808).

PreventionGenetics, part of Exact Sciences
Classification: Likely benign for TTN-related condition. Last evaluated: 2019-07-22. Review status: no assertion criteria provided. Collection method: clinical testing. Allele origin: germline. Not counted in ClinVar's aggregate classification.
Comment: This variant is classified as likely benign based on ACMG/AMP sequence variant interpretation guidelines (Richards et al. 2015 PMID: 25741868, with internal and published modifications).

Diagnostic Laboratory, Department of Genetics, University Medical Center Groningen
Classification: Likely benign. Review status: no assertion criteria provided. Collection method: clinical testing. Allele origin: germline. Affected: yes. Study: VKGL Data-share Consensus. Not counted in ClinVar's aggregate classification.

Laboratory of Diagnostic Genome Analysis, Leiden University Medical Center (LUMC)
Classification: Likely benign. Review status: no assertion criteria provided. Collection method: clinical testing. Allele origin: germline. Affected: yes. Study: VKGL Data-share Consensus. Not counted in ClinVar's aggregate classification.

NM_001267550.2(TTN):c.18561G>A (p.Ala6187=)

Genes: TTN (titin; minus strand), LOC126806430 (BRD4-independent group 4 enhancer GRCh37_chr2:179593794-179594993; plus strand). Cytogenetic location: 2q31.2.
Variant type: single nucleotide variant.
Coding change: c.18561G>A on transcript NM_001267550.2 (MANE Select); coding-DNA position 18561, G replaced by A.
Protein change: p.Ala6187=; no amino-acid change (alanine 6187 retained).
Molecular consequence: synonymous variant. On other transcripts: intron variant (3).
Genome position (GRCh38, 1-based): chr2:178,729,692, C>T on the plus strand (G>A on the coding strand, the complement: TTN is on the minus strand). VCF-style: chr2-178729692-C-T. GRCh37 (hg19) VCF-style: chr2-179594419-C-T.
Other names: c.17610G>A, p.Ala5870= (NM_001256850.1); c.14829G>A, p.Ala4943= (NM_133378.4); c.13282+8390G>A (NM_003319.4); c.13858+8390G>A (NM_133437.4); c.13657+8390G>A (NM_133432.3).
Identifiers: ClinVar variation 228062 (VCV000228062.59), dbSNP rs377556808, ClinGen allele CA2001599.